The following is an entry in ClinVar:

NM_000051.4(ATM):c.8834dup (p.Leu2946fs)

Genes: ATM (ATM serine/threonine kinase; plus strand), C11orf65 (chromosome 11 open reading frame 65; minus strand). Cytogenetic location: 11q22.3.
Variant type: Duplication.
Coding change: c.8834dup on transcript NM_000051.4 (MANE Select); coding-DNA position 8834, one base duplicated (T; older notation c.8834dupT).
Protein change: p.Leu2946fs; shifts the reading frame from leucine 2946.
Molecular consequence: frameshift variant. On other transcripts: intron variant (2).
Genome position (GRCh38, 1-based): chr11:108,354,858, T duplicated. VCF-style (leftmost placement, unchanged base first): chr11-108354857-C-CT. GRCh37 (hg19) VCF-style: chr11-108225584-C-CT.
Other names: c.8834dup, p.Leu2946fs (NM_001351834.2); c.640+31062dup (NM_001330368.2); c.695-19566dup (NM_001351110.2); short protein forms L2946fs.
Identifiers: ClinVar variation 3148373 (VCV003148373.1), dbSNP rs2547536776, ClinGen allele CA2825001990.

ClinVar aggregate classification (germline): Pathogenic (1 of 4 stars; one submission).

Conditions:
Familial cancer of breast. Also called: hereditary breast carcinoma; BREAST CANCER, FAMILIAL; Hereditary breast cancer. Identifiers: Orphanet 227535, MedGen C0346153, MONDO:0016419, OMIM 114480. Disease mechanism: loss of function.

Submission:

Myriad Genetics, Inc.
Classification: Pathogenic for Familial cancer of breast. Last evaluated: 2024-02-05. Review status: criteria provided, single submitter. Criteria: Myriad Autosomal Dominant, Autosomal Recessive and X-Linked Classification Criteria (2023). Collection method: clinical testing. Allele origin: unknown.
Comment: This variant is considered pathogenic. This variant creates a frameshift predicted to result in premature protein truncation.